The following is an entry in ClinVar:

NM_001003800.2(BICD2):c.2348G>A (p.Arg783His)

Gene: BICD2 (BICD cargo adaptor 2; minus strand). Cytogenetic location: 9q22.31.
Variant type: single nucleotide variant.
Coding change: c.2348G>A on transcript NM_001003800.2 (MANE Select); coding-DNA position 2348, G replaced by A.
Protein change: p.Arg783His; replaces arginine 783 with histidine.
Molecular consequence: missense variant.
Genome position (GRCh38, 1-based): chr9:92,715,374, C>T on the plus strand (G>A on the coding strand, the complement: BICD2 is on the minus strand). VCF-style: chr9-92715374-C-T. GRCh37 (hg19) VCF-style: chr9-95477656-C-T.
Other names: c.2348G>A, p.Arg783His (NM_015250.4); short protein forms R783H.
Identifiers: ClinVar variation 3603953 (VCV003603953.2).

ClinVar aggregate classification (germline): Uncertain significance (1 of 4 stars; one submission).

Conditions:
Autosomal dominant childhood-onset proximal spinal muscular atrophy with contractures (SMALED2A). Also called: SPINAL MUSCULAR ATROPHY, LOWER EXTREMITY-PREDOMINANT, 2A, CHILDHOOD ONSET, AUTOSOMAL DOMINANT; Spinal muscular atrophy, lower extremity-predominant, 2A, autosomal dominant. Identifiers: Orphanet 363447, Orphanet 363454, MedGen C4747715, MONDO:0014121, OMIM 615290.

gnomAD v4.1: 5 of 1,612,414 alleles (0.00031%); highest among the groups gnomAD compares: Admixed American, 0.0033%; no homozygotes.

Submission:

Labcorp Genetics (formerly Invitae), Labcorp
Classification: Uncertain significance for Autosomal dominant childhood-onset proximal spinal muscular atrophy with contractures. Last evaluated: 2024-05-19. Review status: criteria provided, single submitter. Criteria: Invitae Variant Classification Sherloc (09022015). Collection method: clinical testing. Allele origin: germline.
Comment: This sequence change replaces arginine, which is basic and polar, with histidine, which is basic and polar, at codon 783 of the BICD2 protein (p.Arg783His). This variant is present in population databases (rs756670700, gnomAD 0.003%). This variant has not been reported in the literature in individuals affected with BICD2-related conditions. Advanced modeling of protein sequence and biophysical properties (such as structural, functional, and spatial information, amino acid conservation, physicochemical variation, residue mobility, and thermodynamic stability) performed at Invitae indicates that this missense variant is expected to disrupt BICD2 protein function with a positive predictive value of 80%. In summary, the available evidence is currently insufficient to determine the role of this variant in disease. Therefore, it has been classified as a Variant of Uncertain Significance.